The following is an entry in ClinVar:

ClinVar aggregate classification (germline): Likely pathogenic (1 of 4 stars; one submission).

Conditions:
Mitochondrial trifunctional protein deficiency. Identifiers: Orphanet 746, MedGen C1969443, MONDO:0012172.
Long chain 3-hydroxyacyl-CoA dehydrogenase deficiency. Also called: LCHAD Deficiency; Deficiency of long-chain 3-hydroxyacyl-coenzyme A dehydrogenase. Identifiers: Orphanet 5, MedGen C3711645, MONDO:0012173, OMIM 609016.

Submission:

Labcorp Genetics (formerly Invitae), Labcorp
Classification: Likely pathogenic for Mitochondrial trifunctional protein deficiency; Long chain 3-hydroxyacyl-CoA dehydrogenase deficiency. Last evaluated: 2025-04-24. Review status: criteria provided, single submitter. Criteria: Invitae Variant Classification Sherloc (09022015). Collection method: clinical testing. Allele origin: germline.
Comment: This sequence change affects a donor splice site in intron 4 of the HADHA gene. It is expected to disrupt RNA splicing. Variants that disrupt the donor or acceptor splice site typically lead to a loss of protein function (PMID: 16199547), and loss-of-function variants in HADHA are known to be pathogenic (PMID: 7738175, 21103935, 21549624, 22459206). This variant is not present in population databases (gnomAD no frequency). This variant has not been reported in the literature in individuals affected with HADHA-related conditions. Algorithms developed to predict the effect of sequence changes on RNA splicing suggest that this variant may disrupt the consensus splice site. In summary, the currently available evidence indicates that the variant is pathogenic, but additional data are needed to prove that conclusively. Therefore, this variant has been classified as Likely Pathogenic.

Literature cited by the submitters: PubMed 16199547; PubMed 7738175; PubMed 21103935; PubMed 21549624; PubMed 22459206.

NM_000182.5(HADHA):c.314+2T>C

Gene: HADHA (hydroxyacyl-CoA dehydrogenase trifunctional multienzyme complex subunit alpha; minus strand). Cytogenetic location: 2p23.3.
Variant type: single nucleotide variant.
Coding change: c.314+2T>C on transcript NM_000182.5 (MANE Select); the canonical splice donor site of the intron after coding-DNA position 314, T replaced by C.
Molecular consequence: splice donor variant.
Genome position (GRCh38, 1-based): chr2:26,236,853, A>G on the plus strand (T>C on the coding strand, the complement: HADHA is on the minus strand). VCF-style: chr2-26236853-A-G. GRCh37 (hg19) VCF-style: chr2-26459721-A-G.
Identifiers: ClinVar variation 4791042 (VCV004791042.1).
Genomic context (GRCh38, chr2:26,236,853, plus strand): 5'-TAGGCCTAAGAAACACACTATTAACCAAGATAAAAGGTGACTTCAAGTTTCCTAAAACTT[A>G]CTTGATATCAGCACCTGCAATAAAGCAGCCTGGCTTTGATGAGATAAGGACGGCACTTCT-3'